The following is an entry in ClinVar:

NM_005562.3(LAMC2):c.618_619del (p.Lys206fs)

Gene: LAMC2 (laminin subunit gamma 2; plus strand). Cytogenetic location: 1q25.3.
Variant type: Deletion.
Coding change: c.618_619del on transcript NM_005562.3 (MANE Select); coding-DNA positions 618 to 619, 2 bases deleted (GA; older notation c.618_619delGA).
Protein change: p.Lys206fs; shifts the reading frame from lysine 206.
Molecular consequence: frameshift variant.
Genome position (GRCh38, 1-based): chr1:183,220,939-183,220,940, GA deleted; deleting any 2 consecutive bases within chr1:183,220,938-183,220,940 gives the same sequence; the c. name uses the placement nearest the transcript's 3' end. VCF-style (leftmost placement, unchanged base first): chr1-183220937-AAG-A. GRCh37 (hg19) VCF-style: chr1-183190072-AAG-A.
Other names: c.618_619del, p.Lys206fs (NM_018891.3); short protein forms K206fs.
Identifiers: ClinVar variation 2970724 (VCV002970724.3), dbSNP rs2526032198, ClinGen allele CA2649463939.

ClinVar aggregate classification (germline): Pathogenic (1 of 4 stars; one submission).

Submission:

Labcorp Genetics (formerly Invitae), Labcorp
Classification: Pathogenic. Last evaluated: 2023-08-07. Review status: criteria provided, single submitter. Criteria: Invitae Variant Classification Sherloc (09022015). Collection method: clinical testing. Allele origin: germline.
Comment: This sequence change creates a premature translational stop signal (p.Lys206Asnfs*10) in the LAMC2 gene. It is expected to result in an absent or disrupted protein product. Loss-of-function variants in LAMC2 are known to be pathogenic (PMID: 11907499, 16473856). This variant is not present in population databases (gnomAD no frequency). This variant has not been reported in the literature in individuals affected with LAMC2-related conditions. For these reasons, this variant has been classified as Pathogenic.

Literature cited by the submitters: PubMed 11907499; PubMed 16473856.